The following is an entry in ClinVar:

ClinVar aggregate classification (germline): Benign/Likely benign. Review status: criteria provided, multiple submitters, no conflicts (2 of 4 stars). 4 submissions from 4 submitters: Benign (1); Likely benign (2). 1 of the submissions does not count toward it. Last evaluated 2024-04-29.

Conditions:
Familial cancer of breast. Also called: BREAST CANCER, FAMILIAL; Hereditary breast cancer; hereditary breast carcinoma. Identifiers: Orphanet 227535, MedGen C0346153, MONDO:0016419, OMIM 114480. Disease mechanism: loss of function.
Ataxia-telangiectasia syndrome (AT). Also called: Ataxia-telangiectasia; Cerebello-oculocutaneous telangiectasia; Immunodeficiency with ataxia telangiectasia; Ataxia-telangiectasia, complementation group D; AT, COMPLEMENTATION GROUP C; Ataxia telangiectasia (A-T). Identifiers: Orphanet 100, MedGen C0004135, MONDO:0008840, OMIM 208900.
Hereditary cancer-predisposing syndrome. Also called: Hereditary Cancer Syndrome; Hereditary neoplastic syndrome; Neoplastic Syndromes, Hereditary; Tumor predisposition. Identifiers: Orphanet 140162, MedGen C0027672, MeSH D009386, MONDO:0015356.

Submissions (4):

Myriad Genetics, Inc.
Classification: Benign for Familial cancer of breast. Last evaluated: 2024-04-29. Review status: criteria provided, single submitter. Criteria: Myriad Autosomal Dominant, Autosomal Recessive and X-Linked Classification Criteria (2023). Collection method: clinical testing. Allele origin: unknown.
Comment: This variant is considered benign. This variant is a silent/synonymous amino acid change and it is not expected to impact splicing.

Ambry Genetics
Classification: Likely benign for Hereditary cancer-predisposing syndrome. Last evaluated: 2023-05-26. Review status: criteria provided, single submitter. Criteria: Ambry Variant Classification Scheme 2023. Collection method: clinical testing. Allele origin: germline.

Labcorp Genetics (formerly Invitae), Labcorp
Classification: Likely benign for Ataxia-telangiectasia syndrome. Last evaluated: 2020-03-03. Review status: criteria provided, single submitter. Criteria: Invitae Variant Classification Sherloc (09022015). Collection method: clinical testing. Allele origin: germline.

Natera, Inc.
Classification: Uncertain significance for Ataxia-telangiectasia. Last evaluated: 2025-01-19. Review status: no assertion criteria provided. Collection method: clinical testing. Allele origin: germline. Not counted in ClinVar's aggregate classification.

NM_000051.4(ATM):c.1404G>A (p.Lys468=)

Gene: ATM (ATM serine/threonine kinase; plus strand). Cytogenetic location: 11q22.3.
Variant type: single nucleotide variant.
Coding change: c.1404G>A on transcript NM_000051.4 (MANE Select); coding-DNA position 1404, G replaced by A.
Protein change: p.Lys468=; no amino-acid change (lysine 468 retained).
Molecular consequence: synonymous variant.
Genome position (GRCh38, 1-based): chr11:108,250,869, G>A. VCF-style: chr11-108250869-G-A. GRCh37 (hg19) VCF-style: chr11-108121596-G-A.
Other names: c.1404G>A, p.Lys468= (NM_001351834.2).
Identifiers: ClinVar variation 1154489 (VCV001154489.15), dbSNP rs2135321676, ClinGen allele CA476744815.